The following is an entry in ClinVar:

NM_000051.4(ATM):c.3918T>A (p.Ser1306Arg)

Gene: ATM (ATM serine/threonine kinase; plus strand). Cytogenetic location: 11q22.3.
Variant type: single nucleotide variant.
Coding change: c.3918T>A on transcript NM_000051.4 (MANE Select); coding-DNA position 3918, T replaced by A.
Protein change: p.Ser1306Arg; replaces serine 1306 with arginine.
Molecular consequence: missense variant.
Genome position (GRCh38, 1-based): chr11:108,284,398, T>A. VCF-style: chr11-108284398-T-A. GRCh37 (hg19) VCF-style: chr11-108155125-T-A.
Other names: c.3918T>A, p.Ser1306Arg (NM_001351834.2); short protein forms S1306R.
Identifiers: ClinVar variation 1736161 (VCV001736161.2), dbSNP rs139632347, ClinGen allele CA382525770.

ClinVar aggregate classification (germline): Uncertain significance (1 of 4 stars; one submission).

Conditions:
Hereditary cancer-predisposing syndrome. Also called: Neoplastic Syndromes, Hereditary; Tumor predisposition; Hereditary Cancer Syndrome; Hereditary neoplastic syndrome. Identifiers: Orphanet 140162, MedGen C0027672, MeSH D009386, MONDO:0015356.

Submission:

Ambry Genetics
Classification: Uncertain significance for Hereditary cancer-predisposing syndrome. Last evaluated: 2020-05-14. Review status: criteria provided, single submitter. Criteria: Ambry Variant Classification Scheme 2023. Collection method: clinical testing. Allele origin: germline.
Comment: The p.S1306R variant (also known as c.3918T>A), located in coding exon 25 of the ATM gene, results from a T to A substitution at nucleotide position 3918. The serine at codon 1306 is replaced by arginine, an amino acid with dissimilar properties. This amino acid position is poorly conserved in available vertebrate species. In addition, this alteration is predicted to be tolerated by in silico analysis. Since supporting evidence is limited at this time, the clinical significance of this alteration remains unclear.